The following is an entry in ClinVar:

NM_001267550.2(TTN):c.86290_86303delinsA (p.Leu28764fs)

Genes: TTN-AS1 (TTN antisense RNA 1; plus strand), TTN (titin; minus strand). Cytogenetic location: 2q31.2.
Variant type: Indel.
Coding change: c.86290_86303delinsA on transcript NM_001267550.2 (MANE Select); coding-DNA positions 86290 to 86303, TTGATTGTCAAGGC replaced by A.
Protein change: p.Leu28764fs; shifts the reading frame from leucine 28764.
Molecular consequence: frameshift variant.
Genome position (GRCh38, 1-based): chr2:178,559,829-178,559,842, GCCTTGACAATCAA replaced by T on the plus strand (TTGATTGTCAAGGC replaced by A on the coding strand, the reverse complement: TTN is on the minus strand). VCF-style: chr2-178559829-GCCTTGACAATCAA-T. GRCh37 (hg19) VCF-style: chr2-179424556-GCCTTGACAATCAA-T.
Other names: c.81367_81380delinsA, p.Leu27123fs (NM_001256850.1); c.59095_59108delinsA, p.Leu19699fs (NM_003319.4); c.78586_78599delinsA, p.Leu26196fs (NM_133378.4); c.59470_59483delinsA, p.Leu19824fs (NM_133432.3); c.59671_59684delinsA, p.Leu19891fs (NM_133437.4); short protein forms L19824fs, L27123fs, L19699fs, L19891fs, L26196fs, L28764fs.
Identifiers: ClinVar variation 405044 (VCV000405044.6), dbSNP rs1064792916, ClinGen allele CA16610264.

ClinVar aggregate classification (germline): Likely pathogenic. Review status: criteria provided, multiple submitters, no conflicts (2 of 4 stars). 3 submissions from 3 submitters: Likely pathogenic (3). Last evaluated 2024-01-29.

Conditions:
TTN-related disorder. Also called: TTN-related disorders; TTN-related condition; TTN-related disease.
Autosomal recessive limb-girdle muscular dystrophy type 2J (LGMDR10). Also called: Limb-girdle muscular dystrophy, type 2J; MUSCULAR DYSTROPHY, LIMB-GIRDLE, AUTOSOMAL RECESSIVE 10. Identifiers: Orphanet 140922, MedGen C1837342, MONDO:0012127, OMIM 608807.
Dilated cardiomyopathy 1G (CMD1G). Identifiers: Orphanet 154, MedGen C1858763, MONDO:0011400, OMIM 604145.
Cardiomyopathy (CMYO). Also called: Cardiomyopathies. Identifiers: Orphanet 167848, MedGen C0878544, MONDO:0004994, HP:0001638. Inheritance: Various modes of inheritance.

Submissions (3):

Blueprint Genetics
Classification: Likely pathogenic for TTN-related disorders. Last evaluated: 2024-01-29. Review status: criteria provided, single submitter. Criteria: ACMG Guidelines, 2015. Collection method: clinical testing. Allele origin: germline. Affected: yes. Observed: 2 variant alleles.

CHEO Genetics Diagnostic Laboratory, Children's Hospital of Eastern Ontario
Classification: Likely pathogenic for Cardiomyopathy. Last evaluated: 2021-04-07. Review status: criteria provided, single submitter. Criteria: ACMG Guidelines, 2015. Collection method: clinical testing. Allele origin: germline.

Labcorp Genetics (formerly Invitae), Labcorp
Classification: Likely pathogenic for Dilated cardiomyopathy 1G; Limb-girdle muscular dystrophy, type 2J. Last evaluated: 2019-09-23. Review status: criteria provided, single submitter. Criteria: Invitae Variant Classification Sherloc (09022015). Collection method: clinical testing. Allele origin: germline.
Comment: This sequence change deletes 14 nucleotides and inserts 1 nucleotide in exon 326 of the TTN mRNA (c.86290_86303delinsA), causing a frameshift at codon 28764. This creates a premature translational stop signal (p.Leu28764Metfs*7) and is expected to result in an absent or disrupted protein product. This variant is found in the A-band of this gene. While this particular variant has not been reported in the literature, truncating variants in the A-band of TTN are significantly overrepresented in patients with dilated cardiomyopathy and are considered to be likely pathogenic for the disease (PMID: 25589632). ClinVar contains an entry for this variant (Variation ID: 405044). For these reasons, this variant has been classified as Likely Pathogenic.

Literature cited by the submitters: PubMed 25589632 (cited by Labcorp Genetics (formerly Invitae), Labcorp).